The following is an entry in ClinVar:

NM_001098511.3(KIF2A):c.38T>C (p.Ile13Thr)

Genes: KIF2A (kinesin family member 2A; plus strand), LOC129993961 (ATAC-STARR-seq lymphoblastoid silent region 16051; plus strand). Cytogenetic location: 5q12.1.
Variant type: single nucleotide variant.
Coding change: c.38T>C on transcript NM_001098511.3 (MANE Select); coding-DNA position 38, T replaced by C.
Protein change: p.Ile13Thr; replaces isoleucine 13 with threonine.
Molecular consequence: missense variant. On other transcripts: 5 prime UTR variant (1).
Genome position (GRCh38, 1-based): chr5:62,306,510, T>C. VCF-style: chr5-62306510-T-C. GRCh37 (hg19) VCF-style: chr5-61602337-T-C.
Other names: c.-247T>C (NM_001243952.2); c.38T>C, p.Ile13Thr (NM_001243953.2, NM_004520.5); short protein forms I13T.
Identifiers: ClinVar variation 3907785 (VCV003907785.1).

ClinVar aggregate classification (germline): Uncertain significance (1 of 4 stars; one submission).

Submission:

GeneDx
Classification: Uncertain significance. Last evaluated: 2024-12-24. Review status: criteria provided, single submitter. Criteria: GeneDx Variant Classification Process June 2021. Collection method: clinical testing. Allele origin: germline. Affected: yes.
Comment: Not observed at significant frequency in large population cohorts (gnomAD); In silico analysis indicates that this missense variant does not alter protein structure/function; Has not been previously published as pathogenic or benign to our knowledge